The following is an entry in ClinVar:

NM_001378183.1(PIEZO2):c.6427C>T (p.Arg2143Ter)

Gene: PIEZO2 (piezo type mechanosensitive ion channel component 2; minus strand). Cytogenetic location: 18p11.22.
Variant type: single nucleotide variant.
Coding change: c.6427C>T on transcript NM_001378183.1 (MANE Select); coding-DNA position 6427, C replaced by T.
Protein change: p.Arg2143Ter; replaces arginine 2143 with a stop codon.
Molecular consequence: nonsense.
Genome position (GRCh38, 1-based): chr18:10,702,003, G>A on the plus strand (C>T on the coding strand, the complement: PIEZO2 is on the minus strand). VCF-style: chr18-10702003-G-A. GRCh37 (hg19) VCF-style: chr18-10702001-G-A.
Other names: c.6163C>T, p.Arg2055Ter (NM_001410871.1); c.6088C>T, p.Arg2030Ter (NM_022068.4); short protein forms R2030*, R2055*, R2143*.
Identifiers: ClinVar variation 2503400 (VCV002503400.3), dbSNP rs774029159, ClinGen allele CA8892242.

ClinVar aggregate classification (germline): Likely pathogenic. Review status: criteria provided, multiple submitters, no conflicts (2 of 4 stars). 2 submissions from 2 submitters: Likely pathogenic (2). Last evaluated 2022-11-28.

Conditions:
Arthrogryposis, distal, with impaired proprioception and touch (DAIPT). Identifiers: MedGen C4310692, MONDO:0014941, OMIM 617146.

Allele frequency attached by ClinVar (database versions not stated): gnomAD 0.00001; gnomAD exomes 0.00001; TOPMed 0.00001; ExAC 0.00006.
gnomAD v4.1: 18 of 1,525,888 alleles (0.0012%); highest among the groups gnomAD compares: Admixed American, 0.0021%; no homozygotes.

Submissions (2):

GeneDx
Classification: Likely pathogenic. Last evaluated: 2022-11-28. Review status: criteria provided, single submitter. Criteria: GeneDx Variant Classification Process June 2021. Collection method: clinical testing. Allele origin: germline. Affected: yes.
Comment: Nonsense variant predicted to result in protein truncation or nonsense mediated decay in a gene for which loss of function is a known mechanism of disease; This variant is associated with the following publications: (PMID: 33995476)

Juno Genomics, Hangzhou Juno Genomics, Inc
Classification: Likely pathogenic for Arthrogryposis, distal, with impaired proprioception and touch. Review status: criteria provided, single submitter. Criteria: ACMG Guidelines, 2015. Collection method: clinical testing. Allele origin: germline.
Comment: Absent from controls (or at extremely low frequency if recessive) in Genome Aggregation Database.;Null variant in a gene where loss of function (LOF) is a known mechanism of disease.